The following is an entry in ClinVar:

NM_002474.3(MYH11):c.1768G>A (p.Ala590Thr)

Gene: MYH11 (myosin heavy chain 11; minus strand). Cytogenetic location: 16p13.11.
Variant type: single nucleotide variant.
Coding change: c.1768G>A on transcript NM_002474.3 (MANE Select); coding-DNA position 1768, G replaced by A.
Protein change: p.Ala590Thr; replaces alanine 590 with threonine.
Molecular consequence: missense variant.
Genome position (GRCh38, 1-based): chr16:15,753,490, C>T on the plus strand (G>A on the coding strand, the complement: MYH11 is on the minus strand). VCF-style: chr16-15753490-C-T. GRCh37 (hg19) VCF-style: chr16-15847347-C-T.
Other names: p.A590T:GCC>ACC; c.1789G>A, p.Ala597Thr (NM_001040113.2, NM_001040114.2); c.1768G>A, p.Ala590Thr (NM_022844.3); short protein forms A590T, A597T.
Identifiers: ClinVar variation 201053 (VCV000201053.19), dbSNP rs745516001, ClinGen allele CA306501.

ClinVar aggregate classification (germline): Uncertain significance. Review status: criteria provided, multiple submitters, no conflicts (2 of 4 stars). 7 submissions from 7 submitters: Uncertain significance (7). Last evaluated 2025-09-19.

Conditions:
MYH11-related disorder. Also called: MYH11-related condition.
Familial thoracic aortic aneurysm and aortic dissection (TAAD). Also called: Thoracic aortic aneurysms and dissections. Identifiers: Orphanet 91387, MedGen C4707243, MONDO:0019625.
Aortic aneurysm, familial thoracic 4 (AAT4). Also called: AORTIC ANEURYSM/AORTIC DISSECTION AND PATENT DUCTUS ARTERIOSUS. Identifiers: MedGen C1851504, MONDO:0007568, OMIM 132900.

Allele frequency attached by ClinVar (database versions not stated): gnomAD 0.00004; TOPMed 0.00006.
gnomAD v4.1: 17 of 1,614,014 alleles (0.0011%); highest among the groups gnomAD compares: African/African-American, 0.015%; no homozygotes.

Submissions (7):

PreventionGenetics, part of Exact Sciences
Classification: Uncertain significance for MYH11-related condition. Last evaluated: 2025-09-19. Review status: criteria provided, single submitter. Criteria: ACMG Guidelines, 2015. Collection method: clinical testing. Allele origin: germline.
Comment: The MYH11 c.1789G>A variant is predicted to result in the amino acid substitution p.Ala597Thr. To our knowledge, this variant has not been reported in the literature. This variant is reported in 0.016% of alleles in individuals of African descent in gnomAD. At this time, the clinical significance of this variant is uncertain due to the absence of conclusive functional and genetic evidence.

All of Us Research Program, National Institutes of Health
Classification: Uncertain significance for Familial thoracic aortic aneurysm and aortic dissection. Last evaluated: 2024-03-24. Review status: criteria provided, single submitter. Criteria: ACMG Guidelines, 2015. Collection method: clinical testing. Allele origin: germline. Inheritance: Autosomal dominant inheritance. Observed: 6 variant alleles, 6 heterozygotes.
Comment: This missense variant replaces alanine with threonine at codon 597 of the MYH11 protein. Computational prediction suggests that this variant may not impact protein structure and function (internally defined REVEL score threshold <= 0.5, PMID: 27666373). Splice site prediction tools suggest that this variant may not impact RNA splicing. To our knowledge, functional studies have not been performed for this variant. This variant has not been reported in individuals affected with cardiovascular disorders in the literature. This variant has been identified in 7/282856 chromosomes in the general population by the Genome Aggregation Database (gnomAD). The available evidence is insufficient to determine the role of this variant in disease conclusively. Therefore, this variant is classified as a Variant of Uncertain Significance.

This study involves interpretation of variants in research participants for the purpose of population health screening. Participant phenotype was not available at the time of variant classification. Additional details can be found in publication PMID: 35346344, PMCID: PMC8962531

Color Diagnostics, LLC DBA Color Health
Classification: Uncertain significance for Familial thoracic aortic aneurysm and aortic dissection. Last evaluated: 2024-03-06. Review status: criteria provided, single submitter. Criteria: ACMG Guidelines, 2015. Collection method: clinical testing. Allele origin: germline.
Comment: This missense variant replaces alanine with threonine at codon 597 of the MYH11 protein. Computational prediction suggests that this variant may not impact protein structure and function (internally defined REVEL score threshold <= 0.5, PMID: 27666373). To our knowledge, functional studies have not been reported for this variant. This variant has not been reported in individuals affected with cardiovascular disorders in the literature. This variant has been identified in 7/282856 chromosomes in the general population by the Genome Aggregation Database (gnomAD). The available evidence is insufficient to determine the role of this variant in disease conclusively. Therefore, this variant is classified as a Variant of Uncertain Significance.

Labcorp Genetics (formerly Invitae), Labcorp
Classification: Uncertain significance for Aortic aneurysm, familial thoracic 4. Last evaluated: 2022-03-18. Review status: criteria provided, single submitter. Criteria: Invitae Variant Classification Sherloc (09022015). Collection method: clinical testing. Allele origin: germline.
Comment: This sequence change replaces alanine, which is neutral and non-polar, with threonine, which is neutral and polar, at codon 597 of the MYH11 protein (p.Ala597Thr). This variant is present in population databases (rs745516001, gnomAD 0.02%). This variant has not been reported in the literature in individuals affected with MYH11-related conditions. ClinVar contains an entry for this variant (Variation ID: 201053). Algorithms developed to predict the effect of missense changes on protein structure and function are either unavailable or do not agree on the potential impact of this missense change (SIFT: "Deleterious"; PolyPhen-2: "Benign"; Align-GVGD: "Class C0"). In summary, the available evidence is currently insufficient to determine the role of this variant in disease. Therefore, it has been classified as a Variant of Uncertain Significance.

GeneDx
Classification: Uncertain significance. Last evaluated: 2021-01-12. Review status: criteria provided, single submitter. Criteria: GeneDx Variant Classification Process June 2021. Collection method: clinical testing. Allele origin: germline. Affected: yes.
Comment: Has not been previously published as pathogenic or benign to our knowledge; In silico analysis supports that this missense variant does not alter protein structure/function; Reported in ClinVar as a variant of uncertain significance (ClinVar Variant ID# 201053; Landrum et al., 2016)

Ambry Genetics
Classification: Uncertain significance for Familial thoracic aortic aneurysm and aortic dissection. Last evaluated: 2020-03-02. Review status: criteria provided, single submitter. Criteria: Ambry Variant Classification Scheme 2023. Collection method: clinical testing. Allele origin: germline.
Comment: The p.A590T variant (also known as c.1768G>A), located in coding exon 14 of the MYH11 gene, results from a G to A substitution at nucleotide position 1768. The alanine at codon 590 is replaced by threonine, an amino acid with similar properties. This amino acid position is not well conserved in available vertebrate species. In addition, this alteration is predicted to be tolerated by in silico analysis. Since supporting evidence is limited at this time, the clinical significance of this alteration remains unclear.

Women's Health and Genetics/Laboratory Corporation of America, LabCorp
Classification: Uncertain significance. Last evaluated: 2018-12-11. Review status: criteria provided, single submitter. Criteria: LabCorp Variant Classification Summary - May 2015. Collection method: clinical testing. Allele origin: germline.
Comment: Variant summary: MYH11 c.1789G>A (p.Ala597Thr) results in a non-conservative amino acid change located in the Myosin head, motor domain of the encoded protein sequence. Three of five in-silico tools predict a benign effect of the variant on protein function. The variant allele was found at a frequency of 2.5e-05 in 277214 control chromosomes (gnomAD). The available data on variant occurrences in the general population are insufficient to allow any conclusion about variant significance. To our knowledge, no occurrence of c.1789G>A in individuals affected with Aortopathy and no experimental evidence demonstrating its impact on protein function have been reported. No clinical diagnostic laboratories have submitted clinical-significance assessments for this variant to ClinVar after 2014. Based on the evidence outlined above, the variant was classified as uncertain significance.